The following is an entry in ClinVar:

ClinVar aggregate classification (germline): Likely benign (1 of 4 stars; one submission).

Allele frequency attached by ClinVar (database versions not stated): ESP Exome Variant Server 0.00076; 1000 Genomes Project 30x 0.00078; 1000 Genomes Project 0.00080; ExAC 0.00084; gnomAD 0.00098; TOPMed 0.00167.
gnomAD v4.1: 984 of 1,610,340 alleles (0.061%); highest among the groups gnomAD compares: Middle Eastern, 0.36%; 1 homozygote.

Submission:

CeGaT Center for Human Genetics Tuebingen
Classification: Likely benign. Last evaluated: 2022-07-01. Review status: criteria provided, single submitter. Criteria: CeGaT Center For Human Genetics Tuebingen Variant Classification Criteria Version 2. Collection method: clinical testing. Allele origin: germline. Affected: yes. Observed: 1 variant allele.
Comment: FRYL: BP4, BP7

NM_015030.2(FRYL):c.1677T>C (p.Thr559=)

Gene: FRYL (FRY like transcription coactivator; minus strand). Cytogenetic location: 4p11.
Variant type: single nucleotide variant.
Coding change: c.1677T>C on transcript NM_015030.2 (MANE Select); coding-DNA position 1677, T replaced by C.
Protein change: p.Thr559=; no amino-acid change (threonine 559 retained).
Molecular consequence: synonymous variant.
Genome position (GRCh38, 1-based): chr4:48,586,692, A>G on the plus strand (T>C on the coding strand, the complement: FRYL is on the minus strand). VCF-style: chr4-48586692-A-G. GRCh37 (hg19) VCF-style: chr4-48588709-A-G.
Identifiers: ClinVar variation 2654754 (VCV002654754.24), dbSNP rs200159502, ClinGen allele CA2915523.
Genomic context (GRCh38, chr4:48,586,692, plus strand): 5'-TTCAATCAGGTCAGTTCTGCTCATACCGTCAGGAATCAACCTTGGAATCGCAGCAATACA[A>G]GTTCTAAACAAATCAATCTTGGGTTTTCTTTCCCCCCTGAAAAATACAACAGGATTTAAT-3'
Protein context (NP_055845.1, residues 549-569): ERKPKIDLFR[Thr559=]CIAAIPRLIP